The following is an entry in ClinVar:

NM_003011.4(SET):c.394C>T (p.Pro132Ser)

Gene: SET (SET nuclear proto-oncogene; plus strand). Cytogenetic location: 9q34.11.
Variant type: single nucleotide variant.
Coding change: c.394C>T on transcript NM_003011.4 (MANE Select); coding-DNA position 394, C replaced by T.
Protein change: p.Pro132Ser; replaces proline 132 with serine.
Molecular consequence: missense variant.
Genome position (GRCh38, 1-based): chr9:128,692,883, C>T. VCF-style: chr9-128692883-C-T. GRCh37 (hg19) VCF-style: chr9-131455162-C-T.
Other names: c.433C>T, p.Pro145Ser (NM_001122821.2, NM_001374326.1); c.367C>T, p.Pro123Ser (NM_001248000.2); c.361C>T, p.Pro121Ser (NM_001248001.2); short protein forms P121S, P123S, P132S, P145S.
Identifiers: ClinVar variation 3373354 (VCV003373354.1).

ClinVar aggregate classification (germline): Uncertain significance (1 of 4 stars; one submission).

Submission:

GeneDx
Classification: Uncertain significance. Last evaluated: 2024-04-30. Review status: criteria provided, single submitter. Criteria: GeneDx Variant Classification Process June 2021. Collection method: clinical testing. Allele origin: germline. Affected: yes.
Comment: Not observed at significant frequency in large population cohorts (gnomAD); In silico analysis supports that this missense variant has a deleterious effect on protein structure/function; Has not been previously published as pathogenic or benign to our knowledge